The following is an entry in ClinVar:

NM_001360.3(DHCR7):c.728C>G (p.Pro243Arg)

Gene: DHCR7 (7-dehydrocholesterol reductase; minus strand). Cytogenetic location: 11q13.4.
Variant type: single nucleotide variant.
Coding change: c.728C>G on transcript NM_001360.3 (MANE Select); coding-DNA position 728, C replaced by G.
Protein change: p.Pro243Arg; replaces proline 243 with arginine.
Molecular consequence: missense variant.
Genome position (GRCh38, 1-based): chr11:71,438,982, G>C on the plus strand (C>G on the coding strand, the complement: DHCR7 is on the minus strand). VCF-style: chr11-71438982-G-C. GRCh37 (hg19) VCF-style: chr11-71150028-G-C.
Other names: c.728C>G, p.Pro243Arg (NM_001163817.2); short protein forms P243R.
Identifiers: ClinVar variation 558335 (VCV000558335.19), dbSNP rs777248132, ClinGen allele CA6162479.

ClinVar aggregate classification (germline): Conflicting classifications of pathogenicity. Review status: criteria provided, conflicting classifications (1 of 4 stars). 7 submissions from 7 submitters: Pathogenic (1); Likely pathogenic (4); Uncertain significance (1). 1 of the submissions does not count toward it. Last evaluated 2025-11-07.

Conditions:
DHCR7-related disorder. Also called: DHCR7-related condition.
Smith-Lemli-Opitz syndrome (SLOS). Also called: 7-Dehydrocholesterol reductase deficiency; LETHAL ACRODYSGENITAL SYNDROME; POLYDACTYLY, SEX REVERSAL, RENAL HYPOPLASIA, AND UNILOBAR LUNG; RSH SYNDROME; RUTLEDGE LETHAL MULTIPLE CONGENITAL ANOMALY SYNDROME. Identifiers: Orphanet 818, MedGen C0175694, MONDO:0010035, OMIM 270400.

Allele frequency attached by ClinVar (database versions not stated): gnomAD 0.00001; ExAC 0.00005; gnomAD exomes 0.00006 and 0.00007.
gnomAD v4.1: 43 of 1,613,942 alleles (0.0027%); highest among the groups gnomAD compares: Non-Finnish European, 0.00017%; no homozygotes.

Submissions (7):

Natera, Inc.
Classification: Likely pathogenic for Smith-Lemli-Opitz syndrome. Last evaluated: 2025-11-07. Review status: criteria provided, single submitter. Criteria: Natera Variant Classification Schema (03/2026). Collection method: clinical testing. Allele origin: germline.
Comment: The c.728C>G variant in DHCR7 is a missense variant predicted to cause substitution of proline to arginine at amino acid 243. This variant is rare in the general population with a frequency below the threshold expected for the associated phenotype(s). This variant has been observed in one or more individuals affected with the associated recessive disease, as either homozygous or compound heterozygous with a second variant (PMID: 10814720). Computational prediction algorithms indicate this variant is likely to affect gene or protein function. Given the available evidence, this variant is classified as Likely Pathogenic.

Myriad Genetics, Inc.
Classification: Uncertain significance for Smith-Lemli-Opitz syndrome. Last evaluated: 2025-10-08. Review status: criteria provided, single submitter. Criteria: Myriad Autosomal Dominant, Autosomal Recessive and X-Linked Classification Criteria (2023). Collection method: clinical testing. Allele origin: unknown.
Comment: NM_001360.2(DHCR7):c.728C>G(P243R) is a missense variant classified as a variant of uncertain significance in the context of Smith-Lemli-Opitz syndrome. P243R has been observed in cases with relevant disease (PMID: 12818773, 10814720). Relevant functional assessments of this variant are not available in the literature. P243R has been observed in referenced population frequency databases. In summary, there is insufficient evidence to classify NM_001360.2(DHCR7):c.728C>G(P243R) as pathogenic or benign. Please note: this variant was assessed in the context of healthy population screening.

GeneDx
Classification: Likely pathogenic. Last evaluated: 2024-11-18. Review status: criteria provided, single submitter. Criteria: GeneDx Variant Classification Process June 2021. Collection method: clinical testing. Allele origin: germline. Affected: yes.
Comment: In silico analysis supports that this missense variant has a deleterious effect on protein structure/function; This variant is associated with the following publications: (PMID: 12818773, 21696385, 12914579, 11241839, 27401223, 15670717, 23042628, 11111101, 11767235, 10814720)

Blueprint Genetics
Classification: Likely pathogenic for DHCR7-related disorders. Last evaluated: 2024-08-09. Review status: criteria provided, single submitter. Criteria: ACMG Guidelines, 2015. Collection method: clinical testing. Allele origin: germline. Affected: yes. Observed: 5 variant alleles.

Fulgent Genetics
Classification: Likely pathogenic for Smith-Lemli-Opitz syndrome. Last evaluated: 2024-04-01. Review status: criteria provided, single submitter. Criteria: ACMG Guidelines, 2015. Collection method: clinical testing. Allele origin: germline.

Labcorp Genetics (formerly Invitae), Labcorp
Classification: Pathogenic for Smith-Lemli-Opitz syndrome. Last evaluated: 2023-07-25. Review status: criteria provided, single submitter. Criteria: Invitae Variant Classification Sherloc (09022015). Collection method: clinical testing. Allele origin: germline.
Comment: This sequence change replaces proline, which is neutral and non-polar, with arginine, which is basic and polar, at codon 243 of the DHCR7 protein (p.Pro243Arg). This variant is present in population databases (rs777248132, gnomAD 0.06%). This missense change has been observed in individual(s) with DHR7-related conditions (PMID: 10814720, 12818773). ClinVar contains an entry for this variant (Variation ID: 558335). Advanced modeling of protein sequence and biophysical properties (such as structural, functional, and spatial information, amino acid conservation, physicochemical variation, residue mobility, and thermodynamic stability) performed at Invitae indicates that this missense variant is expected to disrupt DHCR7 protein function. For these reasons, this variant has been classified as Pathogenic.

Counsyl
Classification: Uncertain significance for Smith-Lemli-Opitz syndrome. Last evaluated: 2018-05-14. Review status: no assertion criteria provided. Collection method: clinical testing. Allele origin: unknown. Not counted in ClinVar's aggregate classification.

Literature cited by the submitters: PubMed 10814720 (cited by 4 submitters); PubMed 12818773 (cited by 3 submitters).